The following is an entry in ClinVar:

ClinVar aggregate classification (germline): Conflicting classifications of pathogenicity. Review status: criteria provided, conflicting classifications (1 of 4 stars). 2 submissions from 2 submitters: Likely pathogenic (1); Uncertain significance (1). Last evaluated 2022-02-19.

Conditions:
Severe X-linked myotubular myopathy (CNMX). Also called: MYOTUBULAR MYOPATHY 1; X-linked centronuclear myopathy; Myotubular myopathy, X-linked. Identifiers: Orphanet 596, MedGen C0410203, MONDO:0010683, OMIM 310400.

Submissions (2):

Labcorp Genetics (formerly Invitae), Labcorp
Classification: Uncertain significance for Severe X-linked myotubular myopathy. Last evaluated: 2022-02-19. Review status: criteria provided, single submitter. Criteria: Invitae Variant Classification Sherloc (09022015). Collection method: clinical testing. Allele origin: germline.
Comment: This variant is not present in population databases (gnomAD no frequency). This variant has been observed in individual(s) with clinical features of MTM1-related conditions (PMID: 31541013). ClinVar contains an entry for this variant (Variation ID: 158911). Variants that disrupt the consensus splice site are a relatively common cause of aberrant splicing (PMID: 17576681, 9536098). Algorithms developed to predict the effect of sequence changes on RNA splicing suggest that this variant may disrupt the consensus splice site. In summary, the available evidence is currently insufficient to determine the role of this variant in disease. Therefore, it has been classified as a Variant of Uncertain Significance. This sequence change falls in intron 11 of the MTM1 gene. It does not directly change the encoded amino acid sequence of the MTM1 protein. It affects a nucleotide within the consensus splice site.

Genetic Services Laboratory, University of Chicago
Classification: Likely pathogenic for Myotubular myopathy, X-linked. Last evaluated: 2013-02-08. Review status: criteria provided, single submitter. Criteria: ACMG Guidelines, 2007. Collection method: clinical testing. Allele origin: germline. Inheritance: X-linked inheritance. Affected: yes.

Literature cited by the submitters: PubMed 31541013 (cited by Labcorp Genetics (formerly Invitae), Labcorp); PubMed 17576681 (cited by Labcorp Genetics (formerly Invitae), Labcorp); PubMed 9536098 (cited by Labcorp Genetics (formerly Invitae), Labcorp).

NM_000252.3(MTM1):c.1260+5G>A

Gene: MTM1 (myotubularin 1; plus strand). Cytogenetic location: Xq28.
Variant type: single nucleotide variant.
Coding change: c.1260+5G>A on transcript NM_000252.3 (MANE Select); 5 bases into the intron after coding-DNA position 1260, G replaced by A.
Molecular consequence: intron variant.
Genome position (GRCh38, 1-based): chrX:150,658,032, G>A. VCF-style: chrX-150658032-G-A. GRCh37 (hg19) VCF-style: chrX-149826505-G-A.
Other names: c.1260+5G>A (NM_001376908.1, NM_001376906.1); c.1149+5G>A (NM_001376907.1).
Identifiers: ClinVar variation 158911 (VCV000158911.14), dbSNP rs587783769, ClinGen allele CA271764.